The following is an entry in ClinVar:

ClinVar aggregate classification (germline): Uncertain significance (0 of 4 stars; one submission).

Conditions:
Aldosterone-producing adenoma with seizures and neurological abnormalities. Also called: Primary aldosteronism, seizures, and neurologic abnormalities. Identifiers: Orphanet 369929, MedGen C3809609, MONDO:0014200, OMIM 615474.

Submission:

Institute of Human Genetics, University of Goettingen
Classification: Uncertain significance for Aldosterone-producing adenoma with seizures and neurological abnormalities. Last evaluated: 2022-06-14. Review status: no assertion criteria provided. Collection method: clinical testing. Allele origin: unknown. Inheritance: Sporadic. Observed: 1 heterozygote.
Comment: The variant c.2018T>C (p.(Leu673Pro)) in exon 15 of the CACNA1D-gene is not found in the gnomAD database, it affects a highly conserved nucleotide, a highly conserved amino acid within a protein domain and there is a moderate physicochemical difference between Leu and Pro. This variant has a pathogenic computational verdict based on in silico predictions algorithms. The mutation p.Ser672Leu, which lies one amino acid position upstream of the above-mentioned variant and affects the same functional protein domain, has been described in the literature as disease causative and its pathogenicity has been confirmed by functional studies (Hofer et al. (2020), PMID: 31921405). Unfortunately, de novo testing could not be performed. Thus, we classify this variant as a variant of unknown significance, which is likely to be pathogenic. ACMG criteria used for classification: PM2, PP2, PP3.

NM_001128840.3(CACNA1D):c.1958T>C (p.Leu653Pro)

Gene: CACNA1D (calcium voltage-gated channel subunit alpha1 D; plus strand). Cytogenetic location: 3p21.1.
Variant type: single nucleotide variant.
Coding change: c.1958T>C on transcript NM_001128840.3 (MANE Select); coding-DNA position 1958, T replaced by C.
Protein change: p.Leu653Pro; replaces leucine 653 with proline.
Molecular consequence: missense variant.
Genome position (GRCh38, 1-based): chr3:53,723,857, T>C. VCF-style: chr3-53723857-T-C. GRCh37 (hg19) VCF-style: chr3-53757884-T-C.
Other names: c.2018T>C, p.Leu673Pro (NM_000720.4); c.1958T>C, p.Leu653Pro (NM_001128839.3); short protein forms L653P, L673P.
Identifiers: ClinVar variation 1698702 (VCV001698702.2), dbSNP rs2108724010, ClinGen allele CA353237994.
Genomic context (GRCh38, chr3:53,723,857, plus strand): 5'-GGACTTCCCTGAGCAACTTAGTGGCATCCTTATTAAACTCCATGAAGTCCATCGCTTCGC[T>C]GTTGCTTCTGCTTTTTCTCTTCATTATCATCTTTTCCTTGCTTGGGATGCAGCTGTTTGG-3'
Protein context (NP_001122312.1, residues 643-663): LLNSMKSIAS[Leu653Pro]LLLLFLFIII